The following is an entry in ClinVar:

NM_000059.4(BRCA2):c.8239G>C (p.Val2747Leu)

Gene: BRCA2 (BRCA2 DNA repair associated; plus strand). Cytogenetic location: 13q13.1.
Variant type: single nucleotide variant.
Coding change: c.8239G>C on transcript NM_000059.4 (MANE Select); coding-DNA position 8239, G replaced by C.
Protein change: p.Val2747Leu; replaces valine 2747 with leucine.
Molecular consequence: missense variant.
Genome position (GRCh38, 1-based): chr13:32,363,441, G>C. VCF-style: chr13-32363441-G-C. GRCh37 (hg19) VCF-style: chr13-32937578-G-C.
Other names: short protein forms V2747L.
Identifiers: ClinVar variation 641971 (VCV000641971.9), dbSNP rs397507398, ClinGen allele CA387749893.
Genomic context (GRCh38, chr13:32,363,441, plus strand): 5'-GCTGTTAAGGCCCAGTTAGATCCTCCCCTCTTAGCTGTCTTAAAGAATGGCAGACTGACA[G>C]TTGGTCAGAAGATTATTCTTCATGGAGCAGAACTGGTGGGCTCTCCTGATGCCTGTACAC-3'
Protein context (NP_000050.3, residues 2737-2757): LAVLKNGRLT[Val2747Leu]GQKIILHGAE

ClinVar aggregate classification (germline): Uncertain significance (1 of 4 stars; one submission).

Conditions:
Hereditary breast ovarian cancer syndrome. Also called: Hereditary breast and ovarian cancer; Hereditary breast and ovarian cancer syndrome; Hereditary breast and ovarian cancer syndrome (HBOC); Hereditary breast and/or ovarian cancer syndrome; Breast and ovarian cancer; BRCA1- and BRCA2-Associated Hereditary Breast and Ovarian Cancer. Identifiers: Orphanet 145, MedGen C0677776, MeSH D061325, MONDO:0003582. Disease mechanism: loss of function.

Submission:

Labcorp Genetics (formerly Invitae), Labcorp
Classification: Uncertain significance for Hereditary breast ovarian cancer syndrome. Last evaluated: 2018-08-13. Review status: criteria provided, single submitter. Criteria: Invitae Variant Classification Sherloc (09022015). Collection method: clinical testing. Allele origin: germline.
Comment: This sequence change replaces valine with leucine at codon 2747 of the BRCA2 protein (p.Val2747Leu). The valine residue is moderately conserved and there is a small physicochemical difference between valine and leucine. This variant is not present in population databases (ExAC no frequency). This variant has not been reported in the literature in individuals with BRCA2-related disease. Algorithms developed to predict the effect of missense changes on protein structure and function are either unavailable or do not agree on the potential impact of this missense change (SIFT: "Tolerated"; PolyPhen-2: "Possibly Damaging"; Align-GVGD: "Class C0"). In summary, the available evidence is currently insufficient to determine the role of this variant in disease. Therefore, it has been classified as a Variant of Uncertain Significance.